The following is an entry in ClinVar:

NM_014053.4(FLVCR1):c.*2887C>T

Gene: FLVCR1 (FLVCR choline and heme transporter 1; plus strand). Cytogenetic location: 1q32.3.
Variant type: single nucleotide variant.
Coding change: c.*2887C>T on transcript NM_014053.4 (MANE Select); 2887 bases downstream of the stop codon, C replaced by T.
Molecular consequence: 3 prime UTR variant.
Genome position (GRCh38, 1-based): chr1:212,898,177, C>T. VCF-style: chr1-212898177-C-T. GRCh37 (hg19) VCF-style: chr1-213071519-C-T.
Identifiers: ClinVar variation 295388 (VCV000295388.5), dbSNP rs186854246, ClinGen allele CA10609833.

ClinVar aggregate classification (germline): Likely benign (1 of 4 stars; one submission).

Conditions:
Posterior column ataxia-retinitis pigmentosa syndrome (RETSNS). Also called: RETINOPATHY-SENSORY NEUROPATHY SYNDROME. Identifiers: Orphanet 88628, MedGen C1836916, MONDO:0012177, OMIM 609033.

Allele frequency attached by ClinVar (database versions not stated): TOPMed 0.00013; 1000 Genomes Project 30x 0.00062; gnomAD 0.00011; 1000 Genomes Project 0.00040.

Submission:

Illumina Laboratory Services, Illumina
Classification: Likely benign for Posterior column ataxia-retinitis pigmentosa syndrome. Last evaluated: 2018-01-12. Review status: criteria provided, single submitter. Criteria: ICSL Variant Classification Criteria 13 December 2019. Collection method: clinical testing. Allele origin: germline.
Comment: This variant was observed in the ICSL laboratory as part of a predisposition screen in an ostensibly healthy population. It had not been previously curated by ICSL or reported in the Human Gene Mutation Database (HGMD: prior to June 1st, 2018), and was therefore a candidate for classification through an automated scoring system. Utilizing variant allele frequency, disease prevalence and penetrance estimates, and inheritance mode, an automated score was calculated to assess if this variant is too frequent to cause the disease. Based on the score and internal cut-off values, a variant classified as likely benign is not then subjected to further curation. The score for this variant resulted in a classification of likely benign for this disease.